The following is an entry in ClinVar:

ClinVar aggregate classification (germline): Likely benign (0 of 4 stars; one submission).

Conditions:
SARS1-related disorder. Also called: SARS1-related disorders; SARS1-related condition.

Allele frequency attached by ClinVar (database versions not stated): ExAC 0.00002; gnomAD 0.00002; TOPMed 0.00004; gnomAD exomes 0.00008; ESP Exome Variant Server 0.00015.
gnomAD v4.1: 119 of 1,614,014 alleles (0.0074%); highest among the groups gnomAD compares: Non-Finnish European, 0.01%; 1 homozygote.

Submission:

PreventionGenetics, part of Exact Sciences
Classification: Likely benign for SARS1-related condition. Last evaluated: 2019-04-15. Review status: no assertion criteria provided. Collection method: clinical testing. Allele origin: germline.
Comment: This variant is classified as likely benign based on ACMG/AMP sequence variant interpretation guidelines (Richards et al. 2015 PMID: 25741868, with internal and published modifications).

NM_006513.4(SARS1):c.48A>G (p.Pro16=)

Genes: SARS1 (seryl-tRNA synthetase 1; plus strand), LOC129931093 (ATAC-STARR-seq lymphoblastoid active region 1437; plus strand). Cytogenetic location: 1p13.3.
Variant type: single nucleotide variant.
Coding change: c.48A>G on transcript NM_006513.4 (MANE Select); coding-DNA position 48, A replaced by G.
Protein change: p.Pro16=; no amino-acid change (proline 16 retained).
Molecular consequence: synonymous variant. On other transcripts: non-coding transcript variant (1).
Genome position (GRCh38, 1-based): chr1:109,214,040, A>G. VCF-style: chr1-109214040-A-G. GRCh37 (hg19) VCF-style: chr1-109756662-A-G.
Other names: c.48A>G, p.Pro16= (NM_001330669.1).
Identifiers: ClinVar variation 3057588 (VCV003057588.2), dbSNP rs370156901, ClinGen allele CA985898.